The following is an entry in ClinVar:

ClinVar aggregate classification (germline): Uncertain significance (1 of 4 stars; one submission).

Conditions:
Fanconi anemia complementation group J. Also called: BRIP1-Related Fanconi Anemia. Identifiers: Orphanet 84, MedGen C1836860, MONDO:0012187, OMIM 609054.
Familial cancer of breast. Also called: BREAST CANCER, FAMILIAL; hereditary breast carcinoma; Hereditary breast cancer. Identifiers: Orphanet 227535, MedGen C0346153, MONDO:0016419, OMIM 114480. Disease mechanism: loss of function.

gnomAD v4.1: 1 of 1,614,076 alleles (0.000062%); no homozygotes.

Submission:

Labcorp Genetics (formerly Invitae), Labcorp
Classification: Uncertain significance for Familial cancer of breast; Fanconi anemia complementation group J. Last evaluated: 2022-03-23. Review status: criteria provided, single submitter. Criteria: Invitae Variant Classification Sherloc (09022015). Collection method: clinical testing. Allele origin: germline.
Comment: Algorithms developed to predict the effect of missense changes on protein structure and function output the following: SIFT: "Tolerated"; PolyPhen-2: "Benign"; Align-GVGD: "Class C0". The glycine amino acid residue is found in multiple mammalian species, which suggests that this missense change does not adversely affect protein function. In summary, the available evidence is currently insufficient to determine the role of this variant in disease. Therefore, it has been classified as a Variant of Uncertain Significance. This variant has not been reported in the literature in individuals affected with BRIP1-related conditions. This variant is not present in population databases (gnomAD no frequency). This sequence change replaces valine, which is neutral and non-polar, with glycine, which is neutral and non-polar, at codon 1108 of the BRIP1 protein (p.Val1108Gly).

NM_032043.3(BRIP1):c.3323T>G (p.Val1108Gly)

Gene: BRIP1 (BRCA1 interacting DNA helicase 1; minus strand). Cytogenetic location: 17q23.2.
Variant type: single nucleotide variant.
Coding change: c.3323T>G on transcript NM_032043.3 (MANE Select); coding-DNA position 3323, T replaced by G.
Protein change: p.Val1108Gly; replaces valine 1108 with glycine.
Molecular consequence: missense variant.
Genome position (GRCh38, 1-based): chr17:61,683,723, A>C on the plus strand (T>G on the coding strand, the complement: BRIP1 is on the minus strand). VCF-style: chr17-61683723-A-C. GRCh37 (hg19) VCF-style: chr17-59761084-A-C.
Other names: short protein forms V1108G.
Identifiers: ClinVar variation 2115953 (VCV002115953.4), dbSNP rs2144080142, ClinGen allele CA400478980.
Genomic context (GRCh38, chr17:61,683,723, plus strand): 5'-TCATCTTCTGCTTCTGTTTCAAAATCTCTATTTGAAGTGGACTGTTTATCTTCTTCACTT[A>C]CTAGAGACAATTCAATGTCTGGATCCAGGGCTTCTTCAGAACAGAGCGGATGTTCAGAAT-3'
Protein context (NP_114432.2, residues 1098-1118): ALDPDIELSL[Val1108Gly]SEEDKQSTSN